The following is an entry in ClinVar:

NM_004329.3(BMPR1A):c.1493A>G (p.Lys498Arg)

Gene: BMPR1A (bone morphogenetic protein receptor type 1A; plus strand). Cytogenetic location: 10q23.2.
Variant type: single nucleotide variant.
Coding change: c.1493A>G on transcript NM_004329.3 (MANE Select); coding-DNA position 1493, A replaced by G.
Protein change: p.Lys498Arg; replaces lysine 498 with arginine.
Molecular consequence: missense variant.
Genome position (GRCh38, 1-based): chr10:86,923,613, A>G. VCF-style: chr10-86923613-A-G. GRCh37 (hg19) VCF-style: chr10-88683370-A-G.
Other names: short protein forms K498R.
Identifiers: ClinVar variation 1061656 (VCV001061656.7), dbSNP rs2133624180, ClinGen allele CA377463722.

ClinVar aggregate classification (germline): Uncertain significance (1 of 4 stars; one submission).

Conditions:
Juvenile polyposis syndrome (JPS). Identifiers: Orphanet 2929, MedGen C0345893, MONDO:0017380, OMIM 174900.

Submission:

Labcorp Genetics (formerly Invitae), Labcorp
Classification: Uncertain significance for Juvenile polyposis syndrome. Last evaluated: 2022-05-29. Review status: criteria provided, single submitter. Criteria: Invitae Variant Classification Sherloc (09022015). Collection method: clinical testing. Allele origin: germline.
Comment: This variant is not present in population databases (gnomAD no frequency). This sequence change replaces lysine, which is basic and polar, with arginine, which is basic and polar, at codon 498 of the BMPR1A protein (p.Lys498Arg). This variant has not been reported in the literature in individuals affected with BMPR1A-related conditions. ClinVar contains an entry for this variant (Variation ID: 1061656). Advanced modeling of protein sequence and biophysical properties (such as structural, functional, and spatial information, amino acid conservation, physicochemical variation, residue mobility, and thermodynamic stability) performed at Invitae indicates that this missense variant is not expected to disrupt BMPR1A protein function. In summary, the available evidence is currently insufficient to determine the role of this variant in disease. Therefore, it has been classified as a Variant of Uncertain Significance.